The following is an entry in ClinVar:

NM_020971.3(SPTBN4):c.4144C>T (p.Arg1382Trp)

Gene: SPTBN4 (spectrin beta, non-erythrocytic 4; plus strand). Cytogenetic location: 19q13.2.
Variant type: single nucleotide variant.
Coding change: c.4144C>T on transcript NM_020971.3 (MANE Select); coding-DNA position 4144, C replaced by T.
Protein change: p.Arg1382Trp; replaces arginine 1382 with tryptophan.
Molecular consequence: missense variant.
Genome position (GRCh38, 1-based): chr19:40,534,128, C>T. VCF-style: chr19-40534128-C-T. GRCh37 (hg19) VCF-style: chr19-41040035-C-T.
Other names: c.172C>T, p.Arg58Trp (NM_025213.3); short protein forms R1382W, R58W.
Identifiers: ClinVar variation 1878216 (VCV001878216.5), dbSNP rs138472388, ClinGen allele CA9446201.
Genomic context (GRCh38, chr19:40,534,128, plus strand): 5'-CACTTGGGGCAGGAGGGCCAGCAACTGATGCAGGAGAAGCCCGAACTGGCGGCCTCCGTG[C>T]GGAAGAAGCTGGGCGAGATCCGCCAGTGCTGGGCGGAGCTGGAGAGCACCACCCAGGCCA-3'
Protein context (NP_066022.2, residues 1372-1392): QEKPELAASV[Arg1382Trp]KKLGEIRQCW

ClinVar aggregate classification (germline): Conflicting classifications of pathogenicity. Review status: criteria provided, conflicting classifications (1 of 4 stars). 2 submissions from 2 submitters: Uncertain significance (1); Likely benign (1). Last evaluated 2024-01-31.

Conditions:
Inborn genetic diseases. Identifiers: MedGen C0950123, MeSH D030342.

Allele frequency attached by ClinVar (database versions not stated): gnomAD 0.00007; TOPMed 0.00012; ESP Exome Variant Server 0.00015; ExAC 0.00022.
gnomAD v4.1: 133 of 1,611,022 alleles (0.0083%); highest among the groups gnomAD compares: South Asian, 0.0033%; no homozygotes.

Submissions (2):

Women's Health and Genetics/Laboratory Corporation of America, LabCorp
Classification: Uncertain significance. Last evaluated: 2024-01-31. Review status: criteria provided, single submitter. Criteria: LabCorp Variant Classification Summary - May 2015. Collection method: clinical testing. Allele origin: germline.
Comment: Variant summary: SPTBN4 c.4144C>T (p.Arg1382Trp) results in a non-conservative amino acid change in the encoded protein sequence. Three of five in-silico tools predict a benign effect of the variant on protein function. The variant allele was found at a frequency of 0.00017 in 244630 control chromosomes. To our knowledge, no occurrence of c.4144C>T in individuals affected with Neurodevelopmental Disorder With Hypotonia, Neuropathy, And Deafness and no experimental evidence demonstrating its impact on protein function have been reported. ClinVar contains an entry for this variant (Variation ID: 1878216). Based on the evidence outlined above, the variant was classified as uncertain significance.

Ambry Genetics
Classification: Likely benign for Inborn genetic diseases. Last evaluated: 2022-03-25. Review status: criteria provided, single submitter. Criteria: Ambry Variant Classification Scheme 2023. Collection method: clinical testing. Allele origin: germline.